The following is an entry in ClinVar:

ClinVar aggregate classification (germline): Pathogenic/Likely pathogenic. Review status: criteria provided, multiple submitters, no conflicts (2 of 4 stars). 8 submissions from 8 submitters: Pathogenic (4); Likely pathogenic (4). Last evaluated 2025-04-22.

Conditions:
Arthrogryposis multiplex congenita 6. Identifiers: MedGen C5543431, MONDO:0030281, OMIM 619334.
Nemaline myopathy 2 (NEM2). Also called: Nemaline myopathy 2, autosomal recessive. Identifiers: MedGen C1850569, MONDO:0009725, OMIM 256030.
NEB-related disorder. Also called: NEB-related condition; NEB-Related Disorders.

Allele frequency attached by ClinVar (database versions not stated): TOPMed below 0.00001; ExAC 0.00001; gnomAD exomes 0.00001.
gnomAD v4.1: 4 of 1,609,356 alleles (0.00025%); highest among the groups gnomAD compares: South Asian, 0.0022%; no homozygotes.

Submissions (8):

GeneDx
Classification: Pathogenic. Last evaluated: 2025-04-22. Review status: criteria provided, single submitter. Criteria: GeneDx Variant Classification Process June 2021. Collection method: clinical testing. Allele origin: germline. Affected: yes.
Comment: Nonsense variant predicted to result in protein truncation or nonsense mediated decay in a gene for which loss of function is a known mechanism of disease; Not observed at significant frequency in large population cohorts (gnomAD); This variant is associated with the following publications: (PMID: 28087426, 33057194, 35982159, 36964972)

Natera, Inc.
Classification: Pathogenic for Nemaline myopathy type 2. Last evaluated: 2024-06-05. Review status: criteria provided, single submitter. Criteria: Natera Variant Classification Schema (03/2026). Collection method: clinical testing. Allele origin: germline.
Comment: The c.25288C>T variant in NEB is a nonsense variant predicted to introduce a stop codon at amino acid 8430. This variant is expected to result in nonsense mediated decay, truncation, or a dysfunctional protein product. This variant is rare in the general population with a frequency below the threshold expected for the associated phenotype(s). This variant has been observed in one or more individuals affected with the associated recessive disease, as either homozygous or compound heterozygous with a second variant (PMID: 36964972). Given the available evidence, this variant is classified as Pathogenic.

Baylor Genetics
Classification: Likely pathogenic for Arthrogryposis multiplex congenita 6. Last evaluated: 2024-03-01. Review status: criteria provided, single submitter. Criteria: ACMG Guidelines, 2015. Collection method: clinical testing. Allele origin: unknown.

Labcorp Genetics (formerly Invitae), Labcorp
Classification: Pathogenic for Nemaline myopathy 2. Last evaluated: 2024-02-24. Review status: criteria provided, single submitter. Criteria: Invitae Variant Classification Sherloc (09022015). Collection method: clinical testing. Allele origin: germline.
Comment: This sequence change creates a premature translational stop signal (p.Arg8430*) in the NEB gene. It is expected to result in an absent or disrupted protein product. Loss-of-function variants in NEB are known to be pathogenic (PMID: 25205138). The frequency data for this variant in the population databases is considered unreliable, as metrics indicate poor data quality at this position in the gnomAD database. This premature translational stop signal has been observed in individual(s) with NEB-related conditions (PMID: 21520333). ClinVar contains an entry for this variant (Variation ID: 451684). Algorithms developed to predict the effect of sequence changes on RNA splicing suggest that this variant may disrupt the consensus splice site. For these reasons, this variant has been classified as Pathogenic.

Revvity Omics, Revvity
Classification: Likely pathogenic. Last evaluated: 2022-11-22. Review status: criteria provided, single submitter. Criteria: ACMG Guidelines, 2015. Collection method: clinical testing. Allele origin: germline.

PreventionGenetics, part of Exact Sciences
Classification: Likely pathogenic for NEB-related condition. Last evaluated: 2022-09-04. Review status: criteria provided, single submitter. Criteria: ACMG Guidelines, 2015. Collection method: clinical testing. Allele origin: germline.
Comment: The NEB c.25288C>T variant is predicted to result in premature protein termination (p.Arg8430*). This variant has been reported in the heterozygous state in an individual with idiopathic ventricular fibrillation (Visser et al. 2017. PubMed ID: 28087426). This variant is reported in 0.0035% of alleles in individuals of South Asian descent in gnomAD. Nonsense variants in NEB are expected to be pathogenic. This variant is interpreted as likely pathogenic.

Fulgent Genetics
Classification: Pathogenic for Nemaline myopathy 2. Last evaluated: 2018-10-31. Review status: criteria provided, single submitter. Criteria: ACMG Guidelines, 2015. Collection method: clinical testing. Allele origin: unknown.

Molecular Genetics Department, Kulakov National Medical Research Center for Obstetrics, Gynecology and Perinatology
Classification: Likely pathogenic for Nemaline myopathy 2; Arthrogryposis multiplex congenita 6. Review status: criteria provided, single submitter. Criteria: ACMG Guidelines, 2015. Collection method: clinical testing. Allele origin: germline. Affected: yes. Observed: 1 variant allele.
Comment: A previously undescribed heterozygous nucleotide variant creates a premature translation stop signal p.Arg8395Ter in the NEB gene (rs747179265). Homozygous and compound heterozygous variants are reported in patients with arthrogryposis multiplex congenita 6, 619334; Nemaline myopathy 2, autosomal recessive, 256030. The variant frequency in population database gnomAD is 0.00025%. The variant is found in trans-position with the NEB variant (NM_001164508.2:c.21751C>T). In summary, the currently available evidence indicates that the variant is pathogenic, but additional data are needed to prove that conclusively. Therefore, this variant has been classified as likely pathogenic.

Literature cited by the submitters: PubMed 36964972 (cited by Natera, Inc.); PubMed 25205138 (cited by Labcorp Genetics (formerly Invitae), Labcorp); PubMed 21520333 (cited by Labcorp Genetics (formerly Invitae), Labcorp).

NM_001164508.2(NEB):c.25183C>T (p.Arg8395Ter)

Genes: NEB (nebulin; minus strand), RIF1 (replication timing regulatory factor 1; plus strand). Cytogenetic location: 2q23.3.
Variant type: single nucleotide variant.
Coding change: c.25183C>T on transcript NM_001164508.2 (MANE Select); coding-DNA position 25183, C replaced by T.
Protein change: p.Arg8395Ter; replaces arginine 8395 with a stop codon.
Molecular consequence: nonsense.
Genome position (GRCh38, 1-based): chr2:151,490,486, G>A on the plus strand (C>T on the coding strand, the complement: NEB is on the minus strand). VCF-style: chr2-151490486-G-A. GRCh37 (hg19) VCF-style: chr2-152347000-G-A.
Other names: c.25183C>T, p.Arg8395Ter (NM_001164507.2); c.25288C>T, p.Arg8430Ter (NM_001271208.2); c.19615C>T, p.Arg6539Ter (NM_004543.5); short protein forms R8430*, R6539*, R8395*.
Identifiers: ClinVar variation 451684 (VCV000451684.19), dbSNP rs747179265, ClinGen allele CA1905784.